The following is an entry in ClinVar:

NM_078471.4(MYO18A):c.3770G>A (p.Arg1257Gln)

Gene: MYO18A (myosin XVIIIA; minus strand). Cytogenetic location: 17q11.2.
Variant type: single nucleotide variant.
Coding change: c.3770G>A on transcript NM_078471.4 (MANE Select); coding-DNA position 3770, G replaced by A.
Protein change: p.Arg1257Gln; replaces arginine 1257 with glutamine.
Molecular consequence: missense variant.
Genome position (GRCh38, 1-based): chr17:29,098,836, C>T on the plus strand (G>A on the coding strand, the complement: MYO18A is on the minus strand). VCF-style: chr17-29098836-C-T. GRCh37 (hg19) VCF-style: chr17-27425854-C-T.
Other names: c.3827G>A, p.Arg1276Gln (NM_001346765.2); c.3806G>A, p.Arg1269Gln (NM_001346766.2); c.3770G>A, p.Arg1257Gln (NM_001346767.2, NM_203318.2); c.2396G>A, p.Arg799Gln (NM_001346768.2); c.3827G>A (NM_001346765.1); short protein forms R1257Q, R1276Q, R1269Q, R799Q.
Identifiers: ClinVar variation 790718 (VCV000790718.5), dbSNP rs76590796, ClinGen allele CA8472535.
Genomic context (GRCh38, chr17:29,098,836, plus strand): 5'-GCAAGGCTTCCCCCTACCCAGAGACTTGGCCCTCTCAGGCTGTCACATACGTCTTTGTTC[C>T]GGATCTGCTCCTCTGACAGCTGTACTTCGATGAGGGGCCTCACTGTGGTAAAAAGCTTCC-3'
Protein context (NP_510880.2, residues 1247-1267): IEVQLSEEQI[Arg1257Gln]NKDEEIQQLR

ClinVar aggregate classification (germline): Likely benign. Review status: criteria provided, single submitter (1 of 4 stars). 2 submissions from 2 submitters: Likely benign (1). 1 of the submissions does not count toward it. Last evaluated 2018-08-28.

Conditions:
MYO18A-related disorder. Also called: MYO18A-related condition.

Allele frequency attached by ClinVar (database versions not stated): 1000 Genomes Project 0.00160; 1000 Genomes Project 30x 0.00172; gnomAD 0.00241 and 0.00242; TOPMed 0.00257; gnomAD exomes 0.00262 and 0.00391; ExAC 0.00263; ESP Exome Variant Server 0.00296.
gnomAD v4.1: 6,066 of 1,613,948 alleles (0.38%); highest among the groups gnomAD compares: Non-Finnish European, 0.46%; 22 homozygotes.

Submissions (2):

Labcorp Genetics (formerly Invitae), Labcorp
Classification: Likely benign. Last evaluated: 2018-08-28. Review status: criteria provided, single submitter. Criteria: Invitae Variant Classification Sherloc (09022015). Collection method: clinical testing. Allele origin: germline.

PreventionGenetics, part of Exact Sciences
Classification: Likely benign for MYO18A-related condition. Last evaluated: 2022-02-10. Review status: no assertion criteria provided. Collection method: clinical testing. Allele origin: germline. Not counted in ClinVar's aggregate classification.
Comment: This variant is classified as likely benign based on ACMG/AMP sequence variant interpretation guidelines (Richards et al. 2015 PMID: 25741868, with internal and published modifications).